The following is an entry in ClinVar:

ClinVar aggregate classification (germline): Uncertain significance (1 of 4 stars; one submission).

Submission:

Labcorp Genetics (formerly Invitae), Labcorp
Classification: Uncertain significance. Last evaluated: 2024-06-18. Review status: criteria provided, single submitter. Criteria: Invitae Variant Classification Sherloc (09022015). Collection method: clinical testing. Allele origin: germline.
Comment: This sequence change replaces arginine, which is basic and polar, with cysteine, which is neutral and slightly polar, at codon 114 of the ALPK3 protein (p.Arg114Cys). This variant is not present in population databases (gnomAD no frequency). This variant has not been reported in the literature in individuals affected with ALPK3-related conditions. An algorithm developed to predict the effect of missense changes on protein structure and function (PolyPhen-2) suggests that this variant is likely to be disruptive. In summary, the available evidence is currently insufficient to determine the role of this variant in disease. Therefore, it has been classified as a Variant of Uncertain Significance.

NC_000015.10:g.84817186C>T

Gene: ALPK3 (alpha kinase 3; plus strand). Cytogenetic location: 15q25.3.
Variant type: single nucleotide variant.
Genome position: GRCh38 VCF-style: chr15-84817186-C-T. GRCh37 (hg19) VCF-style: chr15-85360417-C-T.
Identifiers: ClinVar variation 3656951 (VCV003656951.2).